The following is an entry in ClinVar:

ClinVar aggregate classification (germline): Uncertain significance. Review status: criteria provided, multiple submitters, no conflicts (2 of 4 stars). 5 submissions from 5 submitters: Uncertain significance (4). 1 of the submissions does not count toward it. Last evaluated 2024-12-22.

Conditions:
Hereditary cancer-predisposing syndrome. Also called: Neoplastic Syndromes, Hereditary; Hereditary Cancer Syndrome; Tumor predisposition; Hereditary neoplastic syndrome. Identifiers: Orphanet 140162, MedGen C0027672, MeSH D009386, MONDO:0015356.
Familial cancer of breast. Also called: Hereditary breast cancer; BREAST CANCER, FAMILIAL; hereditary breast carcinoma. Identifiers: Orphanet 227535, MedGen C0346153, MONDO:0016419, OMIM 114480. Disease mechanism: loss of function.
Ataxia-telangiectasia syndrome (AT). Also called: LOUIS-BAR SYNDROME; Cerebello-oculocutaneous telangiectasia; Immunodeficiency with ataxia telangiectasia; Ataxia-telangiectasia, complementation group D; AT, COMPLEMENTATION GROUP C; Ataxia-telangiectasia, complementation group E. Identifiers: Orphanet 100, MedGen C0004135, MONDO:0008840, OMIM 208900.

Submissions (5):

Ambry Genetics
Classification: Uncertain significance for Hereditary cancer-predisposing syndrome. Last evaluated: 2024-12-22. Review status: criteria provided, single submitter. Criteria: Ambry Variant Classification Scheme 2023. Collection method: clinical testing. Allele origin: germline.
Comment: The c.8151+5G>A intronic variant results from a G to A substitution 5 nucleotides after coding exon 54 in the ATM gene. This nucleotide position is highly conserved in available vertebrate species. In silico splice site analysis predicts that this alteration will not have any significant effect on splicing. Based on the available evidence, the clinical significance of this variant remains unclear.

KCCC/NGS Laboratory, Kuwait Cancer Control Center
Classification: Uncertain significance for Familial cancer of breast. Last evaluated: 2024-09-09. Review status: criteria provided, single submitter. Criteria: ACMG Guidelines, 2015. Collection method: clinical testing. Allele origin: germline. Inheritance: Autosomal dominant inheritance. Affected: yes. Observed: 1 heterozygote.
Comment: This sequence change falls in intron 55 of the ATM gene. It does not directly change the encoded amino acid sequence of the ATM protein. It affects a nucleotide within the consensus splice site. This nucleotide position is highly conserved (PhyloP04.17). This variant is not present in population databases (gnomAD no frequency). This variant has not been reported in the literature in individuals affected with ATM-related conditions. ClinVar contains an entry for this variant (Variation ID: 481155). Variants that disrupt the consensus splice site are a relatively common cause of aberrant splicing (PMID: 17576681, 9536098). In silico splice site analysis predicts that this alteration may have significant effect on splicing. . In summary, the available evidence is currently insufficient to determine the role of this variant in disease. Therefore, it has been classified as a Variant of Uncertain Significance. Pathogenic mutations in the ATM gene are associated with Ataxia Telangiectasia; and increased risk of breast cancer, certain types of leukemias and lymphomas.

Quest Diagnostics Nichols Institute San Juan Capistrano
Classification: Uncertain significance. Last evaluated: 2024-01-02. Review status: criteria provided, single submitter. Criteria: Quest Diagnostics criteria. Collection method: clinical testing. Allele origin: unknown.

Labcorp Genetics (formerly Invitae), Labcorp
Classification: Uncertain significance for Ataxia-telangiectasia syndrome. Last evaluated: 2023-12-22. Review status: criteria provided, single submitter. Criteria: Invitae Variant Classification Sherloc (09022015). Collection method: clinical testing. Allele origin: germline.
Comment: This sequence change falls in intron 55 of the ATM gene. It does not directly change the encoded amino acid sequence of the ATM protein. It affects a nucleotide within the consensus splice site. This variant is not present in population databases (gnomAD no frequency). This variant has not been reported in the literature in individuals affected with ATM-related conditions. ClinVar contains an entry for this variant (Variation ID: 481155). Variants that disrupt the consensus splice site are a relatively common cause of aberrant splicing (PMID: 17576681, 9536098). Algorithms developed to predict the effect of sequence changes on RNA splicing suggest that this variant may disrupt the consensus splice site. In summary, the available evidence is currently insufficient to determine the role of this variant in disease. Therefore, it has been classified as a Variant of Uncertain Significance.

Natera, Inc.
Classification: Uncertain significance for Ataxia-telangiectasia. Last evaluated: 2020-09-16. Review status: no assertion criteria provided. Collection method: clinical testing. Allele origin: germline. Not counted in ClinVar's aggregate classification.

Literature cited by the submitters: PubMed 17576681 (cited by Labcorp Genetics (formerly Invitae), Labcorp); PubMed 9536098 (cited by Labcorp Genetics (formerly Invitae), Labcorp).

NM_000051.4(ATM):c.8151+5G>A

Genes: C11orf65 (chromosome 11 open reading frame 65; minus strand), ATM (ATM serine/threonine kinase; plus strand). Cytogenetic location: 11q22.3.
Variant type: single nucleotide variant.
Coding change: c.8151+5G>A on transcript NM_000051.4 (MANE Select); 5 bases into the intron after coding-DNA position 8151, G replaced by A.
Molecular consequence: intron variant.
Genome position (GRCh38, 1-based): chr11:108,335,114, G>A. VCF-style: chr11-108335114-G-A. GRCh37 (hg19) VCF-style: chr11-108205841-G-A.
Other names: c.8151+5G>A (NM_001351834.2); c.641-26043C>T (NM_001330368.2); c.*38+106C>T (NM_001351110.2).
Identifiers: ClinVar variation 481155 (VCV000481155.17), dbSNP rs1555127370, ClinGen allele CA658656224.